The following is an entry in ClinVar:

ClinVar aggregate classification (germline): Conflicting classifications of pathogenicity. Review status: criteria provided, conflicting classifications (1 of 4 stars). 3 submissions from 3 submitters: Likely pathogenic (1); Uncertain significance (2). Last evaluated 2025-05-12.

Submissions (3):

Dasa
Classification: Uncertain significance. Last evaluated: 2025-05-12. Review status: criteria provided, single submitter. Criteria: DASA Assertion Criteria. Collection method: clinical testing. Allele origin: germline.
Comment: NM_138395.4(MARS2):c.872del (p.Gly291Alafs*18) is a frameshift variant in MARS2 predicted to alter the reading frame and introduce a premature termination codon and is predicted to result in an absent or altered protein product. This variant is rare in population databases. The currently available literature and clinical evidence are not sufficient to establish a definitive association between this variant and the reported condition. Therefore, this variant is classified as a variant of uncertain significance.

Labcorp Genetics (formerly Invitae), Labcorp
Classification: Uncertain significance. Last evaluated: 2024-03-01. Review status: criteria provided, single submitter. Criteria: Invitae Variant Classification Sherloc (09022015). Collection method: clinical testing. Allele origin: germline.
Comment: This sequence change creates a premature translational stop signal (p.Gly291Alafs*18) in the MARS2 gene. While this is not anticipated to result in nonsense mediated decay, it is expected to disrupt the last 303 amino acid(s) of the MARS2 protein. This variant is not present in population databases (gnomAD no frequency). This variant has not been reported in the literature in individuals affected with MARS2-related conditions. ClinVar contains an entry for this variant (Variation ID: 449936). Experimental studies and prediction algorithms are not available or were not evaluated, and the functional significance of this variant is currently unknown. In summary, the available evidence is currently insufficient to determine the role of this variant in disease. Therefore, it has been classified as a Variant of Uncertain Significance.

GeneDx
Classification: Likely pathogenic. Last evaluated: 2022-12-29. Review status: criteria provided, single submitter. Criteria: GeneDx Variant Classification Process June 2021. Collection method: clinical testing. Allele origin: germline. Affected: yes.
Comment: Frameshift variant predicted to result in protein truncation or nonsense mediated decay in a gene for which loss of function is a known mechanism of disease; Not observed at significant frequency in large population cohorts (gnomAD); Has not been previously published as pathogenic or benign to our knowledge; This variant is associated with the following publications: (PMID: 31589614)

NM_138395.4(MARS2):c.872del (p.Gly291fs)

Gene: MARS2 (methionyl-tRNA synthetase 2, mitochondrial; plus strand). Cytogenetic location: 2q33.1.
Variant type: Deletion.
Coding change: c.872del on transcript NM_138395.4 (MANE Select); coding-DNA position 872, one base deleted (G; older notation c.872delG).
Protein change: p.Gly291fs; shifts the reading frame from glycine 291.
Molecular consequence: frameshift variant.
Genome position (GRCh38, 1-based): chr2:197,706,277, G deleted; the last of 2 consecutive G bases (chr2:197,706,276-197,706,277); deleting either gives the same sequence. VCF-style (leftmost placement, unchanged base first): chr2-197706275-TG-T. GRCh37 (hg19) VCF-style: chr2-198570999-TG-T.
Other names: c.872delG (NM_138395.3); short protein forms G291fs.
Identifiers: ClinVar variation 449936 (VCV000449936.10), dbSNP rs1340079929, ClinGen allele CA430823448.
Genomic context (GRCh38, chr2:197,706,275, plus strand): 5'-GGATGATTCGCAGACCATCTATGTATGGCTGGATGCCCTGGTCAACTACCTCACTGTAAT[TG>T]GCTACCCAAATGCTGAGTTCAAATCTTGGTGGCCGGCCACCTCTCATATCATAGGTAAGG-3'